The following is an entry in ClinVar:

NM_001015877.2(PHF6):c.159A>G (p.Val53=)

Gene: PHF6 (PHD finger protein 6; plus strand). Cytogenetic location: Xq26.2.
Variant type: single nucleotide variant.
Coding change: c.159A>G on transcript NM_001015877.2 (MANE Select); coding-DNA position 159, A replaced by G.
Protein change: p.Val53=; no amino-acid change (valine 53 retained).
Molecular consequence: synonymous variant.
Genome position (GRCh38, 1-based): chrX:134,378,025, A>G. VCF-style: chrX-134378025-A-G. GRCh37 (hg19) VCF-style: chrX-133512055-A-G.
Other names: c.159A>G, p.Val53= (NM_032335.3, NM_032458.3).
Identifiers: ClinVar variation 1776073 (VCV001776073.3), dbSNP rs769976257, ClinGen allele CA10521162.

ClinVar aggregate classification (germline): Likely benign. Review status: criteria provided, single submitter (1 of 4 stars). 2 submissions from 2 submitters: Likely benign (1). 1 of the submissions does not count toward it. Last evaluated 2018-08-15.

Conditions:
PHF6-related disorder. Also called: PHF6-related condition.
Inborn genetic diseases. Identifiers: MedGen C0950123, MeSH D030342.

Allele frequency attached by ClinVar (database versions not stated): gnomAD exomes 0.00001; ExAC 0.00005.
gnomAD v4.1: 7 of 1,197,726 alleles (0.00058%); highest among the groups gnomAD compares: Admixed American, 0.0044%; no homozygotes.

Submissions (2):

Ambry Genetics
Classification: Likely benign for Inborn genetic diseases. Last evaluated: 2018-08-15. Review status: criteria provided, single submitter. Criteria: Ambry Variant Classification Scheme 2023. Collection method: clinical testing. Allele origin: germline.

PreventionGenetics, part of Exact Sciences
Classification: Likely benign for PHF6-related condition. Last evaluated: 2024-02-12. Review status: no assertion criteria provided. Collection method: clinical testing. Allele origin: germline. Not counted in ClinVar's aggregate classification.
Comment: This variant is classified as likely benign based on ACMG/AMP sequence variant interpretation guidelines (Richards et al. 2015 PMID: 25741868, with internal and published modifications).